The following is an entry in ClinVar:

ClinVar aggregate classification (germline): Uncertain significance (1 of 4 stars; one submission).

Conditions:
POLD1-related polyposis and colorectal cancer syndrome (CRCS10). Also called: Colorectal cancer 10; COLORECTAL CANCER, SUSCEPTIBILITY TO, ON CHROMOSOME 19q; Colorectal cancer, susceptibility to, 10. Identifiers: Orphanet 220460, MedGen C2675481, MONDO:0012953, OMIM 612591.

Allele frequency attached by ClinVar (database versions not stated): TOPMed below 0.00001.

Submission:

Labcorp Genetics (formerly Invitae), Labcorp
Classification: Uncertain significance for POLD1-related polyposis and colorectal cancer syndrome. Last evaluated: 2021-08-04. Review status: criteria provided, single submitter. Criteria: Invitae Variant Classification Sherloc (09022015). Collection method: clinical testing. Allele origin: germline.
Comment: In summary, the available evidence is currently insufficient to determine the role of this variant in disease. Therefore, it has been classified as a Variant of Uncertain Significance. Algorithms developed to predict the effect of missense changes on protein structure and function output the following: SIFT: "Tolerated"; PolyPhen-2: "Benign"; Align-GVGD: "Class C0". The serine amino acid residue is found in multiple mammalian species, suggesting that this missense change does not adversely affect protein function. These predictions have not been confirmed by published functional studies and their clinical significance is uncertain. This variant has not been reported in the literature in individuals with POLD1-related conditions. This variant is not present in population databases (ExAC no frequency). This sequence change replaces threonine with serine at codon 83 of the POLD1 protein (p.Thr83Ser). The threonine residue is weakly conserved and there is a small physicochemical difference between threonine and serine.

NM_002691.4(POLD1):c.247A>T (p.Thr83Ser)

Gene: POLD1 (DNA polymerase delta 1, catalytic subunit; plus strand). Cytogenetic location: 19q13.33.
Variant type: single nucleotide variant.
Coding change: c.247A>T on transcript NM_002691.4 (MANE Select); coding-DNA position 247, A replaced by T.
Protein change: p.Thr83Ser; replaces threonine 83 with serine.
Molecular consequence: missense variant. On other transcripts: non-coding transcript variant (1).
Genome position (GRCh38, 1-based): chr19:50,399,415, A>T. VCF-style: chr19-50399415-A-T. GRCh37 (hg19) VCF-style: chr19-50902672-A-T.
Other names: c.247A>T, p.Thr83Ser (NM_001256849.1, NM_001308632.1); short protein forms T83S.
Identifiers: ClinVar variation 859865 (VCV000859865.9), dbSNP rs2038499315, ClinGen allele CA406970459.